The following is an entry in ClinVar:

NM_000059.4(BRCA2):c.6336_6340delinsTTT (p.Arg2112fs)

Gene: BRCA2 (BRCA2 DNA repair associated; plus strand). Cytogenetic location: 13q13.1.
Variant type: Indel.
Coding change: c.6336_6340delinsTTT on transcript NM_000059.4 (MANE Select); coding-DNA positions 6336 to 6340, AAACC replaced by TTT.
Protein change: p.Arg2112fs; shifts the reading frame from arginine 2112.
Molecular consequence: frameshift variant.
Genome position (GRCh38, 1-based): chr13:32,340,691-32,340,695, AAACC replaced by TTT. VCF-style: chr13-32340691-AAACC-TTT. GRCh37 (hg19) VCF-style: chr13-32914828-AAACC-TTT.
Other names: c.6336_6340delAAACCinsTTT (NM_000059.3); short protein forms R2112fs.
Identifiers: ClinVar variation 479324 (VCV000479324.5), dbSNP rs1555284643, ClinGen allele CA658656329.
Genomic context (GRCh38, chr13:32,340,691, plus strand): 5'-TCACTATTCACCTACGTCTAGACAAAATGTATCAAAAATACTTCCTCGTGTTGATAAGAG[AAACC>TTT]CAGAGCACTGTGTAAACTCAGAAATGGAAAAAACCTGCAGTAAAGAATTTAAATTATCAA-3'

ClinVar aggregate classification (germline): Pathogenic (1 of 4 stars; one submission).

Conditions:
Hereditary cancer-predisposing syndrome. Also called: Neoplastic Syndromes, Hereditary; Hereditary Cancer Syndrome; Hereditary neoplastic syndrome; Tumor predisposition. Identifiers: Orphanet 140162, MedGen C0027672, MeSH D009386, MONDO:0015356.

Submission:

Ambry Genetics
Classification: Pathogenic for Hereditary cancer-predisposing syndrome. Last evaluated: 2016-05-13. Review status: criteria provided, single submitter. Criteria: Ambry Variant Classification Scheme 2023. Collection method: clinical testing. Allele origin: germline.
Comment: The c.6336_6340delAAACCinsTTT pathogenic mutation, located in coding exon 10 of the BRCA2 gene, results from the deletion of 5 nucleotides and insertion of 3 nucleotides causing a translational frameshift with a predicted alternate stop codon (p.R2112SFS*16). Since frameshifts are typically deleterious in nature, this alteration is interpreted as a disease-causing mutation (ACMG Recommendations for Standards for Interpretation and Reporting of Sequence Variations. Revision 2007. Genet Med. 2008;10:294).